The following is an entry in ClinVar:

NM_002435.3(MPI):c.530dup (p.His178fs)

Gene: MPI (mannose phosphate isomerase; plus strand). Cytogenetic location: 15q24.1.
Variant type: Duplication.
Coding change: c.530dup on transcript NM_002435.3 (MANE Select); coding-DNA position 530, one base duplicated (C; older notation c.530dupC).
Protein change: p.His178fs; shifts the reading frame from histidine 178.
Molecular consequence: frameshift variant. On other transcripts: intron variant (1).
Genome position (GRCh38, 1-based): chr15:74,893,180, C duplicated. VCF-style (leftmost placement, unchanged base first): chr15-74893179-A-AC. GRCh37 (hg19) VCF-style: chr15-75185520-A-AC.
Other names: c.530dup, p.His178fs (NM_001289155.2); c.380dup, p.His128fs (NM_001289156.2); c.470dup, p.His158fs (NM_001330372.2); c.487+378dup (NM_001289157.2); short protein forms H128fs, H158fs, H178fs.
Identifiers: ClinVar variation 2676656 (VCV002676656.2), dbSNP rs2505816957, ClinGen allele CA2695197319.
Genomic context (GRCh38, chr15:74,893,179, plus strand): 5'-GGGCCTTGCCTTCCTGTAGAGGTGCCTGAGTTTCAGTTCCTGATTGGAGATGAGGCAGCA[A>AC]CACACCTGAAGCAGACCATGAGCCATGACTCCCAGGCTGTGGCCTCCTCTCTGCAGAGCT-3'

ClinVar aggregate classification (germline): Pathogenic/Likely pathogenic. Review status: criteria provided, multiple submitters, no conflicts (2 of 4 stars). 2 submissions from 2 submitters: Pathogenic (1); Likely pathogenic (1). Last evaluated 2026-02-04.

Conditions:
MPI-congenital disorder of glycosylation. Also called: CONGENITAL DISORDER OF GLYCOSYLATION, TYPE Ib; CDG Ib; MPI DEFICIENCY; MPI-CDG; MANNOSEPHOSPHATE ISOMERASE DEFICIENCY; PROTEIN-LOSING ENTEROPATHY-HEPATIC FIBROSIS SYNDROME. Identifiers: Orphanet 79319, MedGen C1865145, MONDO:0011257, OMIM 602579.

Submissions (2):

Myriad Genetics, Inc.
Classification: Pathogenic for MPI-congenital disorder of glycosylation. Last evaluated: 2026-02-04. Review status: criteria provided, single submitter. Criteria: Myriad Autosomal Dominant, Autosomal Recessive and X-Linked Classification Criteria (2023). Collection method: clinical testing. Allele origin: unknown.
Comment: NM_002435.1(MPI):c.530dupC(H178Tfs*9) is a frameshift variant classified as pathogenic in the context of congenital disorder of glycosylation, MPI-related. H178Tfs*9 has not been observed in cases with relevant disease. Relevant functional assessments of this variant are not available in the literature. H178Tfs*9 has not been observed in referenced population frequency databases. In summary, NM_002435.1(MPI):c.530dupC(H178Tfs*9) is a frameshift variant in a gene where loss of function is a known mechanism of disease and is predicted to disrupt protein function. Please note: this variant was assessed in the context of healthy population screening.

Baylor Genetics
Classification: Likely pathogenic for MPI-congenital disorder of glycosylation. Last evaluated: 2023-07-16. Review status: criteria provided, single submitter. Criteria: ACMG Guidelines, 2015. Collection method: clinical testing. Allele origin: unknown.